The following is an entry in ClinVar:

ClinVar aggregate classification (germline): Uncertain significance (1 of 4 stars; one submission).

Submission:

Labcorp Genetics (formerly Invitae), Labcorp
Classification: Uncertain significance. Last evaluated: 2025-10-02. Review status: criteria provided, single submitter. Criteria: Invitae Variant Classification Sherloc (09022015). Collection method: clinical testing. Allele origin: germline.
Comment: This sequence change replaces alanine, which is neutral and non-polar, with threonine, which is neutral and polar, at codon 504 of the CACNA1D protein (p.Ala504Thr). This variant is not present in population databases (gnomAD no frequency). This variant has not been reported in the literature in individuals affected with CACNA1D-related conditions. An algorithm developed to predict the effect of missense changes on protein structure and function outputs the following: PolyPhen-2: "Benign". The threonine amino acid residue is found in multiple mammalian species, which suggests that this missense change does not adversely affect protein function. In summary, the available evidence is currently insufficient to determine the role of this variant in disease. Therefore, it has been classified as a Variant of Uncertain Significance.

NM_000720.4(CACNA1D):c.1510G>A (p.Ala504Thr)

Gene: CACNA1D (calcium voltage-gated channel subunit alpha1 D; plus strand). Cytogenetic location: 3p21.1.
Variant type: single nucleotide variant.
Coding change: c.1510G>A on transcript NM_000720.4 (MANE Plus Clinical); coding-DNA position 1510, G replaced by A.
Protein change: p.Ala504Thr; replaces alanine 504 with threonine.
Molecular consequence: missense variant. On other transcripts: intron variant (2).
Genome position (GRCh38, 1-based): chr3:53,718,713, G>A. VCF-style: chr3-53718713-G-A. GRCh37 (hg19) VCF-style: chr3-53752740-G-A.
Other names: c.1478+325G>A (NM_001128840.3, NM_001128839.3); short protein forms A504T.
Identifiers: ClinVar variation 4712856 (VCV004712856.1).
Genomic context (GRCh38, chr3:53,718,713, plus strand): 5'-TTAACCTGGCCACCTGCTGTGTCCATTAGGTGCTGGTGGAGACGGAGAGGCGCGGCCAAG[G>A]CGGGGCCCTCTGGGTGTCGGCGGTGGGGGTAAAGGCCTGATTCTCCTTCCAGCCTGGGTT-3'
Protein context (NP_000711.1, residues 494-514): CWWRRRGAAK[Ala504Thr]GPSGCRRWGQ